The following is an entry in ClinVar:

NM_001761.3(CCNF):c.625C>G (p.Leu209Val)

Gene: CCNF (cyclin F; plus strand). Cytogenetic location: 16p13.3.
Variant type: single nucleotide variant.
Coding change: c.625C>G on transcript NM_001761.3 (MANE Select); coding-DNA position 625, C replaced by G.
Protein change: p.Leu209Val; replaces leucine 209 with valine.
Molecular consequence: missense variant. On other transcripts: 5 prime UTR variant (1).
Genome position (GRCh38, 1-based): chr16:2,439,383, C>G. VCF-style: chr16-2439383-C-G. GRCh37 (hg19) VCF-style: chr16-2489384-C-G.
Other names: c.-300C>G (NM_001323538.2); short protein forms L209V.
Identifiers: ClinVar variation 4820023 (VCV004820023.2).

ClinVar aggregate classification (germline): Likely benign (1 of 4 stars; one submission).

Conditions:
Amyotrophic lateral sclerosis (ALS). Also called: Lou Gehrig disease; Charcot disease. Identifiers: Orphanet 803, MedGen C0002736, MONDO:0004976, HP:0007354.

gnomAD v4.1: 3 of 1,609,618 alleles (0.00019%); highest among the groups gnomAD compares: East Asian, 0.0067%; no homozygotes.

Submission:

Department of Neurology, Brain Research Institute, Niigata University
Classification: Likely benign for Amyotrophic lateral sclerosis. Last evaluated: 2026-09-21. Review status: criteria provided, single submitter. Criteria: ACMG Guidelines, 2015. Collection method: research. Allele origin: unknown. Affected: yes.
Comment: REVEL score of this variant is 0.027 (BP4_Moderate).